The following is an entry in ClinVar:

ClinVar aggregate classification (germline): Uncertain significance. Review status: criteria provided, multiple submitters, no conflicts (2 of 4 stars). 2 submissions from 2 submitters: Uncertain significance (2). Last evaluated 2025-08-30.

Conditions:
Inborn genetic diseases. Identifiers: MedGen C0950123, MeSH D030342.

Allele frequency attached by ClinVar (database versions not stated): gnomAD exomes below 0.00001; gnomAD 0.00001; TOPMed 0.00001.
gnomAD v4.1: 3 of 1,613,774 alleles (0.00019%); highest among the groups gnomAD compares: African/African-American, 0.004%; no homozygotes.

Submissions (2):

Ambry Genetics
Classification: Uncertain significance for Inborn genetic diseases. Last evaluated: 2025-08-30. Review status: criteria provided, single submitter. Criteria: Ambry Variant Classification Scheme 2023. Collection method: clinical testing. Allele origin: germline.

Labcorp Genetics (formerly Invitae), Labcorp
Classification: Uncertain significance. Last evaluated: 2024-10-15. Review status: criteria provided, single submitter. Criteria: Invitae Variant Classification Sherloc (09022015). Collection method: clinical testing. Allele origin: germline.
Comment: This sequence change replaces glutamine, which is neutral and polar, with histidine, which is basic and polar, at codon 2750 of the USH2A protein (p.Gln2750His). This variant is not present in population databases (gnomAD no frequency). This variant has not been reported in the literature in individuals affected with USH2A-related conditions. ClinVar contains an entry for this variant (Variation ID: 1041579). Invitae Evidence Modeling of protein sequence and biophysical properties (such as structural, functional, and spatial information, amino acid conservation, physicochemical variation, residue mobility, and thermodynamic stability) indicates that this missense variant is not expected to disrupt USH2A protein function with a negative predictive value of 95%. In summary, the available evidence is currently insufficient to determine the role of this variant in disease. Therefore, it has been classified as a Variant of Uncertain Significance.

NM_206933.4(USH2A):c.8250G>C (p.Gln2750His)

Gene: USH2A (usherin; minus strand). Cytogenetic location: 1q41.
Variant type: single nucleotide variant.
Coding change: c.8250G>C on transcript NM_206933.4 (MANE Select); coding-DNA position 8250, G replaced by C.
Protein change: p.Gln2750His; replaces glutamine 2750 with histidine.
Molecular consequence: missense variant.
Genome position (GRCh38, 1-based): chr1:215,879,072, C>G on the plus strand (G>C on the coding strand, the complement: USH2A is on the minus strand). VCF-style: chr1-215879072-C-G. GRCh37 (hg19) VCF-style: chr1-216052414-C-G.
Other names: c.8250G>C (NM_206933.2); short protein forms Q2750H.
Identifiers: ClinVar variation 1041579 (VCV001041579.9), dbSNP rs1315503316, ClinGen allele CA344832679.